The following is an entry in ClinVar:

NC_000015.9:g.(?_66679686)_(66679785_?)dup

Gene: MAP2K1 (mitogen-activated protein kinase kinase 1; plus strand). Cytogenetic location: 15q22.31.
Variant type: Duplication.
Identifiers: ClinVar variation 2424528 (VCV002424528.4).

ClinVar aggregate classification (germline): Uncertain significance (1 of 4 stars; one submission).

Conditions:
RASopathy. Also called: Noonan spectrum disorder; rasopathies. Identifiers: Orphanet 536391, MedGen C5555857, MONDO:0021060.

Submission:

Labcorp Genetics (formerly Invitae), Labcorp
Classification: Uncertain significance for RASopathy. Last evaluated: 2022-01-26. Review status: criteria provided, single submitter. Criteria: Invitae Variant Classification Sherloc (09022015). Collection method: clinical testing. Allele origin: germline.
Comment: This variant results in a copy number gain of the genomic region encompassing exon(s) 1 of the MAP2K1 gene. This region includes the initiator codon of the gene. This copy number gain extends beyond the assayed region for this gene and therefore may encompass additional genes. As the precise location of this event is unknown, it may be in tandem or it may be located elsewhere in the genome. This variant has not been reported in the literature in individuals affected with MAP2K1-related conditions. In summary, the available evidence is currently insufficient to determine the role of this variant in disease. Therefore, it has been classified as a Variant of Uncertain Significance.